The following is an entry in ClinVar:

NM_172245.4(CSF2RA):c.893C>T (p.Ala298Val)

Gene: CSF2RA (colony stimulating factor 2 receptor subunit alpha; plus strand). Cytogenetic location: Xp22.33.
Variant type: single nucleotide variant.
Coding change: c.893C>T on transcript NM_172245.4 (MANE Select); coding-DNA position 893, C replaced by T.
Protein change: p.Ala298Val; replaces alanine 298 with valine.
Molecular consequence: missense variant. On other transcripts: intron variant (2).
Genome position (GRCh38, 1-based): chrX:1,300,573, C>T. VCF-style: chrX-1300573-C-T. GRCh37 (hg19) VCF-style: chrX-1419466-C-T.
Other names: c.893C>T, p.Ala298Val (NM_001161529.2, NM_001161530.2, NM_001161531.2 and 18 more transcripts); c.494C>T, p.Ala165Val (NM_001161532.2); c.863C>T, p.Ala288Val (NM_001379160.1); c.647-4873C>T (NM_172249.4); c.854+1508C>T (NM_001379166.1); short protein forms A165V, A298V, A288V.
Identifiers: ClinVar variation 1985918 (VCV001985918.1), dbSNP rs1393107041, ClinGen allele CA412236420.
Genomic context (GRCh38, chrX:1,300,573, plus strand): 5'-AAAATAGATACAACTTTCCAAGCTCTGAGCCCAGAGCAAAACACAGTGTGAAGATCAGAG[C>T]TGCAGACGTCCGCATCTTGAATTGGAGCTCCTGGAGTGAAGCCATTGAATTTGGTAAGCG-3'
Protein context (NP_758448.1, residues 288-308): PRAKHSVKIR[Ala298Val]ADVRILNWSS

ClinVar aggregate classification (germline): Uncertain significance (1 of 4 stars; one submission).

Conditions:
Surfactant metabolism dysfunction, pulmonary, 4 (SMDP4). Also called: CSF2RA DEFICIENCY; PAP DUE TO CSF2RA DEFICIENCY; PULMONARY ALVEOLAR PROTEINOSIS, CONGENITAL, 4. Identifiers: Orphanet 264675, MedGen C2677877, MONDO:0010424, OMIM 300770.

Allele frequency attached by ClinVar (database versions not stated): gnomAD exomes 0.00001; TOPMed 0.00001.
gnomAD v4.1: 6 of 1,613,930 alleles (0.00037%); highest among the groups gnomAD compares: African/African-American, 0.0013%; no homozygotes.

Submission:

Labcorp Genetics (formerly Invitae), Labcorp
Classification: Uncertain significance for Surfactant metabolism dysfunction, pulmonary, 4. Last evaluated: 2022-08-08. Review status: criteria provided, single submitter. Criteria: Invitae Variant Classification Sherloc (09022015). Collection method: clinical testing. Allele origin: germline.
Comment: This sequence change replaces alanine, which is neutral and non-polar, with valine, which is neutral and non-polar, at codon 298 of the CSF2RA protein (p.Ala298Val). This variant is present in population databases (no rsID available, gnomAD 0.0009%). This variant has not been reported in the literature in individuals affected with CSF2RA-related conditions. Algorithms developed to predict the effect of missense changes on protein structure and function are either unavailable or do not agree on the potential impact of this missense change (SIFT: "Deleterious"; PolyPhen-2: "Benign"; Align-GVGD: "Class C0"). In summary, the available evidence is currently insufficient to determine the role of this variant in disease. Therefore, it has been classified as a Variant of Uncertain Significance.